The following is an entry in ClinVar:

NM_032926.3(TCEAL3):c.510G>A (p.Gln170=)

Gene: TCEAL3 (transcription elongation factor A like 3; plus strand). Cytogenetic location: Xq22.2.
Variant type: single nucleotide variant.
Coding change: c.510G>A on transcript NM_032926.3 (MANE Select); coding-DNA position 510, G replaced by A.
Protein change: p.Gln170=; no amino-acid change (glutamine 170 retained).
Molecular consequence: synonymous variant.
Genome position (GRCh38, 1-based): chrX:103,609,574, G>A. VCF-style: chrX-103609574-G-A. GRCh37 (hg19) VCF-style: chrX-102864502-G-A.
Other names: c.510G>A, p.Gln170= (NM_001006933.2).
Identifiers: ClinVar variation 2661099 (VCV002661099.24), dbSNP rs1315327006, ClinGen allele CA518090740.
Genomic context (GRCh38, chrX:103,609,574, plus strand): 5'-AGAGGAGCTAAGGAAAAAACAGAAAATGGGTGGTTTTCATTGGATGCAAAGAGATGTACA[G>A]GATCCATTCGCCCCAAGGGGACAACGGGGTGTCAGGGGAGTGAGGGGTGGAGGTAGGGGC-3'
Protein context (NP_116315.1, residues 160-180): GGFHWMQRDV[Gln170=]DPFAPRGQRG

ClinVar aggregate classification (germline): Likely benign (1 of 4 stars; one submission).

Allele frequency attached by ClinVar (database versions not stated): gnomAD 0.00001; TOPMed 0.00001; gnomAD exomes 0.00002.

Submission:

CeGaT Center for Human Genetics Tuebingen
Classification: Likely benign. Last evaluated: 2022-03-01. Review status: criteria provided, single submitter. Criteria: CeGaT Center For Human Genetics Tuebingen Variant Classification Criteria Version 2. Collection method: clinical testing. Allele origin: germline. Affected: yes. Observed: 1 variant allele.
Comment: TCEAL3: BP4, BP7